The following is an entry in ClinVar:

ClinVar aggregate classification (germline): Likely pathogenic (1 of 4 stars; one submission).

Conditions:
Citrin deficiency. Identifiers: Orphanet 247582, MedGen C1997910, MONDO:0016602.

Submission:

Labcorp Genetics (formerly Invitae), Labcorp
Classification: Likely pathogenic for Citrin deficiency. Last evaluated: 2023-06-05. Review status: criteria provided, single submitter. Criteria: Invitae Variant Classification Sherloc (09022015). Collection method: clinical testing. Allele origin: germline.
Comment: In summary, the currently available evidence indicates that the variant is pathogenic, but additional data are needed to prove that conclusively. Therefore, this variant has been classified as Likely Pathogenic. Algorithms developed to predict the effect of sequence changes on RNA splicing suggest that this variant may disrupt the consensus splice site. ClinVar contains an entry for this variant (Variation ID: 839429). This variant has not been reported in the literature in individuals affected with SLC25A13-related conditions. This variant is not present in population databases (gnomAD no frequency). This sequence change affects a donor splice site in intron 4 of the SLC25A13 gene. It is expected to disrupt RNA splicing. Variants that disrupt the donor or acceptor splice site typically lead to a loss of protein function (PMID: 16199547), and loss-of-function variants in SLC25A13 are known to be pathogenic (PMID: 10369257, 14680984, 27405544).

Literature cited by the submitters: PubMed 16199547; PubMed 10369257; PubMed 14680984; PubMed 27405544.

NM_014251.3(SLC25A13):c.328+1G>T

Gene: SLC25A13 (solute carrier family 25 member 13; minus strand). Cytogenetic location: 7q21.3.
Variant type: single nucleotide variant.
Coding change: c.328+1G>T on transcript NM_014251.3 (MANE Select); the canonical splice donor site of the intron after coding-DNA position 328, G replaced by T.
Molecular consequence: splice donor variant.
Genome position (GRCh38, 1-based): chr7:96,234,801, C>A on the plus strand (G>T on the coding strand, the complement: SLC25A13 is on the minus strand). VCF-style: chr7-96234801-C-A. GRCh37 (hg19) VCF-style: chr7-95864113-C-A.
Other names: c.328+1G>T (NM_001160210.2).
Identifiers: ClinVar variation 839429 (VCV000839429.8), dbSNP rs1796684525, ClinGen allele CA368408164.